The following is an entry in ClinVar:

ClinVar aggregate classification (germline): other (0 of 4 stars; one submission).

Conditions:
Familial colorectal cancer. Identifiers: MedGen CN280943, MONDO:0023113. Disease mechanism: loss of function.

Submission:

Systems Biology Platform Zhejiang California International NanoSystems Institute
Classification: other for Familial colorectal cancer. Review status: no assertion criteria provided. Collection method: not provided. Allele origin: unknown.
ClinVar note: Converted during submission from cancer to other.

NM_000038.6(APC):c.-19+8064G>T

Gene: APC (APC regulator of WNT signaling pathway; plus strand). Cytogenetic location: 5q22.2.
Variant type: single nucleotide variant.
Coding change: c.-19+8064G>T on transcript NM_000038.6 (MANE Select); 8064 bases into the intron after 19 bases upstream of the start codon, G replaced by T.
Molecular consequence: intron variant.
Genome position (GRCh38, 1-based): chr5:112,745,989, G>T. VCF-style: chr5-112745989-G-T. GRCh37 (hg19) VCF-style: chr5-112081686-G-T.
Other names: c.-18-8884G>T (NM_001354895.2); c.166-20337G>T (NM_001354897.2, NM_001354902.2, NM_001127511.3); c.-19+7529G>T (NM_001127510.3); c.60+7529G>T (NM_001354898.2, NM_001354904.2); c.-1054+8064G>T (NM_001354906.2); c.-19+8064G>T (NM_001354896.2, NM_001354903.2, NM_001354899.2); c.-43+8064G>T (NM_001354900.2, NM_001354901.2, NM_001354905.2).
Identifiers: ClinVar variation 82777 (VCV000082777.2), dbSNP rs80193344, ClinGen allele CA007060.